The following is an entry in ClinVar:

NM_006648.4(WNK2):c.496G>T (p.Gly166Trp)

Gene: WNK2 (WNK lysine deficient protein kinase 2; plus strand). Cytogenetic location: 9q22.31.
Variant type: single nucleotide variant.
Coding change: c.496G>T on transcript NM_006648.4 (MANE Select); coding-DNA position 496, G replaced by T.
Protein change: p.Gly166Trp; replaces glycine 166 with tryptophan.
Molecular consequence: missense variant.
Genome position (GRCh38, 1-based): chr9:93,185,425, G>T. VCF-style: chr9-93185425-G-T. GRCh37 (hg19) VCF-style: chr9-95947707-G-T.
Other names: c.496G>T, p.Gly166Trp (NM_001282394.3); short protein forms G166W.
Identifiers: ClinVar variation 4201899 (VCV004201899.1).

ClinVar aggregate classification (germline): Uncertain significance (1 of 4 stars; one submission).

Submission:

Ambry Genetics
Classification: Uncertain significance. Last evaluated: 2025-09-12. Review status: criteria provided, single submitter. Criteria: Ambry Variant Classification Scheme 2023. Collection method: clinical testing. Allele origin: germline.
Comment: The p.G166W variant (also known as c.496G>T), located in coding exon 1 of the WNK2 gene, results from a G to T substitution at nucleotide position 496. The glycine at codon 166 is replaced by tryptophan, an amino acid with highly dissimilar properties. This amino acid position is conserved. In addition, the in silico prediction for this alteration is inconclusive. Based on the available evidence, the clinical significance of this variant remains unclear.